The following is an entry in ClinVar:

NM_000038.6(APC):c.3632T>C (p.Met1211Thr)

Gene: APC (APC regulator of Wnt signaling pathway; plus strand). Cytogenetic location: 5q22.2.
Variant type: single nucleotide variant.
Coding change: c.3632T>C on transcript NM_000038.6 (MANE Select); coding-DNA position 3632, T replaced by C.
Protein change: p.Met1211Thr; replaces methionine 1211 with threonine.
Molecular consequence: missense variant.
Genome position (GRCh38, 1-based): chr5:112,839,226, T>C. VCF-style: chr5-112839226-T-C. GRCh37 (hg19) VCF-style: chr5-112174923-T-C.
Other names: p.M1211T:ATG>ACG; c.3632T>C, p.Met1211Thr (NM_001127510.3, NM_001354895.2); c.3578T>C, p.Met1193Thr (NM_001127511.3); c.3686T>C, p.Met1229Thr (NM_001354896.2); c.3662T>C, p.Met1221Thr (NM_001354897.2); c.3557T>C, p.Met1186Thr (NM_001354898.2); c.3548T>C, p.Met1183Thr (NM_001354899.2); c.3509T>C, p.Met1170Thr (NM_001354900.2); and 6 more; short protein forms M1211T, M1193T, M1110T, M1170T, M1183T, M1221T, M1120T, M1186T.
Identifiers: ClinVar variation 127290 (VCV000127290.25), dbSNP rs575268622, ClinGen allele CA008581.
Genomic context (GRCh38, chr5:112,839,226, plus strand): 5'-AGAAACAGTCATTTTCATTCTCAAAGAGTTCATCTGGACAAAGCAGTAAAACCGAACATA[T>C]GTCTTCAAGCAGTGAGAATACGTCCACACCTTCATCTAATGCCAAGAGGCAGAATCAGCT-3'
Protein context (NP_000029.2, residues 1201-1221): SSGQSSKTEH[Met1211Thr]SSSSENTSTP

ClinVar aggregate classification (germline): Conflicting classifications of pathogenicity. Review status: criteria provided, conflicting classifications (1 of 4 stars). 7 submissions from 7 submitters: Uncertain significance (6); Likely benign (1). Last evaluated 2026-01-27.

Conditions:
Classic or attenuated familial adenomatous polyposis. Identifiers: MedGen CN372698, MONDO:0021057.
Hepatocellular carcinoma (HCC). Also called: LIVER CELL CARCINOMA; Primary carcinoma of liver; HEPATOMA. Identifiers: Orphanet 88673, MedGen C2239176, MONDO:0007256, OMIM 114550, HP:0001402.
Gastric cancer. Also called: Stomach cancer; Malignant tumor of stomach. Identifiers: MedGen C0024623, MeSH D013274, MONDO:0001056, OMIM 613659, HP:0012126.
Colorectal cancer. Also called: Colorectal cancer, somatic; Malignant Colorectal Neoplasm. Identifiers: MedGen C0346629, MONDO:0005575, OMIM 114500.
Desmoid disease, hereditary (DESMD). Also called: FIBROMATOSIS, FAMILIAL INFILTRATIVE. Identifiers: Orphanet 873, MedGen C1851124, OMIM 135290. Disease mechanism: loss of function.
Gastric adenocarcinoma and proximal polyposis of the stomach (GAPPS). Also called: Gastric Adenocarcinoma and Proximal Polyposis of the Stomach (GAPPS); Polyposis, gastric, Dos Santos and de Magalhaes 1980; POLYPOSIS, GASTRIC. Identifiers: Orphanet 314022, MedGen C4749917, MONDO:0017790, OMIM 619182.
Familial adenomatous polyposis 1 (FAP1). Also called: FAMILIAL ADENOMATOUS POLYPOSIS 1, ATTENUATED; POLYPOSIS, ADENOMATOUS INTESTINAL. Identifiers: MedGen C2713442, MONDO:0021056, OMIM 175100. Disease mechanism: loss of function.
Hereditary cancer-predisposing syndrome. Also called: Tumor predisposition; Hereditary neoplastic syndrome; Hereditary Cancer Syndrome; Neoplastic Syndromes, Hereditary. Identifiers: Orphanet 140162, MedGen C0027672, MeSH D009386, MONDO:0015356.

Allele frequency attached by ClinVar (database versions not stated): TOPMed 0.00002.

Submissions (7):

Labcorp Genetics (formerly Invitae), Labcorp
Classification: Uncertain significance for Familial adenomatous polyposis 1. Last evaluated: 2026-01-27. Review status: criteria provided, single submitter. Criteria: Invitae Variant Classification Sherloc (09022015). Collection method: clinical testing. Allele origin: germline.
Comment: This sequence change replaces methionine, which is neutral and non-polar, with threonine, which is neutral and polar, at codon 1211 of the APC protein (p.Met1211Thr). This variant is present in population databases (rs575268622, gnomAD 0.01%). This variant has not been reported in the literature in individuals affected with APC-related conditions. ClinVar contains an entry for this variant (Variation ID: 127290). Invitae Evidence Modeling of protein sequence and biophysical properties (such as structural, functional, and spatial information, amino acid conservation, physicochemical variation, residue mobility, and thermodynamic stability) indicates that this missense variant is not expected to disrupt APC protein function with a negative predictive value of 95%. In summary, the available evidence is currently insufficient to determine the role of this variant in disease. Therefore, it has been classified as a Variant of Uncertain Significance.

Ambry Genetics
Classification: Likely benign for Hereditary cancer-predisposing syndrome. Last evaluated: 2024-10-28. Review status: criteria provided, single submitter. Criteria: Ambry Variant Classification Scheme 2023. Collection method: clinical testing. Allele origin: germline.

Fulgent Genetics
Classification: Uncertain significance for Colorectal cancer; Hepatocellular carcinoma; Desmoid disease, hereditary; Familial adenomatous polyposis 1; Gastric cancer; Gastric adenocarcinoma and proximal polyposis of the stomach. Last evaluated: 2024-05-08. Review status: criteria provided, single submitter. Criteria: ACMG Guidelines, 2015. Collection method: clinical testing. Allele origin: germline.

All of Us Research Program, National Institutes of Health
Classification: Uncertain significance for Classic or attenuated familial adenomatous polyposis. Last evaluated: 2023-11-30. Review status: criteria provided, single submitter. Criteria: ACMG Guidelines, 2015. Collection method: clinical testing. Allele origin: germline. Inheritance: Autosomal dominant inheritance. Observed: 1 variant allele, 1 heterozygote.
Comment: This missense variant replaces methionine with threonine at codon 1211 of the APC protein. Computational prediction is inconclusive regarding the impact of this variant on protein structure and function (internally defined REVEL score threshold 0.5 < inconclusive < 0.7, PMID: 27666373). To our knowledge, functional studies have not been reported for this variant. This variant has been reported in individuals affected with adenomatous polyposis (PMID: 20434453). This variant has been identified in 4/250614 chromosomes in the general population by the Genome Aggregation Database (gnomAD). The available evidence is insufficient to determine the role of this variant in disease conclusively. Therefore, this variant is classified as a Variant of Uncertain Significance.

This study involves interpretation of variants in research participants for the purpose of population health screening. Participant phenotype was not available at the time of variant classification. Additional details can be found in publication PMID: 35346344, PMCID: PMC8962531

Color Diagnostics, LLC DBA Color Health
Classification: Uncertain significance for Hereditary cancer-predisposing syndrome. Last evaluated: 2023-09-05. Review status: criteria provided, single submitter. Criteria: ACMG Guidelines, 2015. Collection method: clinical testing. Allele origin: germline.
Comment: This variant is located in the APC protein. Computational prediction suggests that this variant may not impact protein structure and function (internally defined REVEL score threshold <= 0.5, PMID: 27666373). To our knowledge, functional studies have not been reported for this variant. This variant has not been reported in individuals affected with APC-related disorders in the literature. This variant has been identified in 4/250614 chromosomes in the general population by the Genome Aggregation Database (gnomAD). The available evidence is insufficient to determine the role of this variant in disease conclusively. Therefore, this variant is classified as a Variant of Uncertain Significance.

GeneDx
Classification: Uncertain significance. Last evaluated: 2020-09-01. Review status: criteria provided, single submitter. Criteria: GeneDx Variant Classification Process June 2021. Collection method: clinical testing. Allele origin: germline. Affected: yes.
Comment: Not observed at a significant frequency in large population cohorts (Lek 2016); In silico analysis supports that this missense variant does not alter protein structure/function; Has not been previously published as pathogenic or benign to our knowledge

Quest Diagnostics Nichols Institute San Juan Capistrano
Classification: Uncertain significance. Last evaluated: 2016-12-30. Review status: criteria provided, single submitter. Criteria: Quest Diagnostics criteria. Collection method: clinical testing. Allele origin: germline.

Literature cited by the submitters: PubMed 20434453 (cited by All of Us Research Program, National Institutes of Health and Quest Diagnostics Nichols Institute San Juan Capistrano).